The following is an entry in ClinVar:

ClinVar aggregate classification (germline): Uncertain significance. Review status: criteria provided, multiple submitters, no conflicts (2 of 4 stars). 2 submissions from 2 submitters: Uncertain significance (2). Last evaluated 2024-01-30.

Conditions:
Early-infantile DEE. Also called: Ohtahara syndrome; Early infantile epileptic encephalopathy; Early infantile epileptic encephalopathy with suppression bursts. Identifiers: Orphanet 1934, MedGen C0393706, MONDO:0800491.

Submissions (2):

Labcorp Genetics (formerly Invitae), Labcorp
Classification: Uncertain significance for Early-infantile DEE. Last evaluated: 2024-01-30. Review status: criteria provided, single submitter. Criteria: Invitae Variant Classification Sherloc (09022015). Collection method: clinical testing. Allele origin: germline.
Comment: This sequence change replaces valine, which is neutral and non-polar, with glycine, which is neutral and non-polar, at codon 1337 of the SCN1A protein (p.Val1337Gly). This variant is not present in population databases (gnomAD no frequency). This variant has not been reported in the literature in individuals affected with SCN1A-related conditions. ClinVar contains an entry for this variant (Variation ID: 195578). Advanced modeling of protein sequence and biophysical properties (such as structural, functional, and spatial information, amino acid conservation, physicochemical variation, residue mobility, and thermodynamic stability) performed at Invitae indicates that this missense variant is expected to disrupt SCN1A protein function with a positive predictive value of 95%. In summary, the available evidence is currently insufficient to determine the role of this variant in disease. Therefore, it has been classified as a Variant of Uncertain Significance.

Eurofins Ntd Llc (ga)
Classification: Uncertain significance. Last evaluated: 2018-03-12. Review status: criteria provided, single submitter. Criteria: EGL ClinVar v180209 classification definitions. Collection method: clinical testing. Allele origin: germline. Observed: 1 variant allele, 1 heterozygote.

NM_001165963.4(SCN1A):c.4010T>G (p.Val1337Gly)

Genes: SCN1A (sodium voltage-gated channel alpha subunit 1; minus strand), LOC102724058 (uncharacterized LOC102724058; plus strand). Cytogenetic location: 2q24.3.
Variant type: single nucleotide variant.
Coding change: c.4010T>G on transcript NM_001165963.4 (MANE Select); coding-DNA position 4010, T replaced by G.
Protein change: p.Val1337Gly; replaces valine 1337 with glycine.
Molecular consequence: missense variant. On other transcripts: non-coding transcript variant (1).
Genome position (GRCh38, 1-based): chr2:166,002,746, A>C on the plus strand (T>G on the coding strand, the complement: SCN1A is on the minus strand). VCF-style: chr2-166002746-A-C. GRCh37 (hg19) VCF-style: chr2-166859256-A-C.
Other names: c.3926T>G, p.Val1309Gly (NM_001165964.3, NM_001353957.2, NM_001353958.2); c.4010T>G, p.Val1337Gly (NM_001202435.3, NM_001353948.2); c.3977T>G, p.Val1326Gly (NM_001353949.2, NM_001353950.2, NM_001353951.2 and 2 more transcripts); c.3974T>G, p.Val1325Gly (NM_001353954.2, NM_001353955.2); c.3923T>G, p.Val1308Gly (NM_001353960.2); c.1568T>G, p.Val523Gly (NM_001353961.2); short protein forms V1326G, V1337G, V1308G, V1325G, V1309G, V523G.
Identifiers: ClinVar variation 195578 (VCV000195578.7), dbSNP rs794727338, ClinGen allele CA242055.
Genomic context (GRCh38, chr2:166,002,746, plus strand): 5'-AATATAAGACAAACCAGAAGCACATTCATGATGGATGGAATTGCTCCTAAAAGGGCATTC[A>C]CAACCACCTAATACACAAATGGAAAAAAAGAAAAGTCAGAATTCTTATCTGTTAATAAAG-3'
Protein context (NP_001159435.1, residues 1327-1347): LSRFEGMRVV[Val1337Gly]NALLGAIPSI